The following is an entry in ClinVar:

ClinVar aggregate classification (germline): Uncertain significance (1 of 4 stars; one submission).

Conditions:
Long QT syndrome (LQTS). Identifiers: MedGen C0023976, MeSH D008133, MONDO:0002442. Disease mechanism: loss of function. Inheritance: Various modes of inheritance.

Submission:

Labcorp Genetics (formerly Invitae), Labcorp
Classification: Uncertain significance for Long QT syndrome. Last evaluated: 2021-09-15. Review status: criteria provided, single submitter. Criteria: Invitae Variant Classification Sherloc (09022015). Collection method: clinical testing. Allele origin: germline.
Comment: In summary, the available evidence is currently insufficient to determine the role of this variant in disease. Therefore, it has been classified as a Variant of Uncertain Significance. This variant has not been reported in the literature in individuals affected with CACNA1C-related conditions. This variant is a gross deletion of the genomic region encompassing exon(s) 1-3 of the CACNA1C gene, which includes the initiator codon. This deletion extends beyond the assayed region for this gene and therefore may encompass additional genes. It is expected to result in an absent or disrupted protein product. However, the current clinical and genetic evidence is not sufficient to establish whether loss-of-function variants in CACNA1C cause disease.

NC_000012.11:g.(?_2162729)_(2229616_?)del

Gene: CACNA1C (calcium voltage-gated channel subunit alpha1 C; plus strand). Cytogenetic location: 12p13.33.
Variant type: Deletion.
Identifiers: ClinVar variation 1431703 (VCV001431703.5).